The following is an entry in ClinVar:

NM_001330723.2(SNX27):c.752T>G (p.Val251Gly)

Gene: SNX27 (sorting nexin 27; plus strand). Cytogenetic location: 1q21.3.
Variant type: single nucleotide variant.
Coding change: c.752T>G on transcript NM_001330723.2 (MANE Select); coding-DNA position 752, T replaced by G.
Protein change: p.Val251Gly; replaces valine 251 with glycine.
Molecular consequence: missense variant.
Genome position (GRCh38, 1-based): chr1:151,660,813, T>G. VCF-style: chr1-151660813-T-G. GRCh37 (hg19) VCF-style: chr1-151633289-T-G.
Other names: c.752T>G, p.Val251Gly (NM_030918.6); short protein forms V251G.
Identifiers: ClinVar variation 1017121 (VCV001017121.7), dbSNP rs753881769, ClinGen allele CA1093473.

ClinVar aggregate classification (germline): Uncertain significance (1 of 4 stars; one submission).

Conditions:
Severe myoclonic epilepsy in infancy (DRVT). Also called: Dravet syndrome; Epileptic encephalopathy, early infantile, 6 (Dravet syndrome); SEVERE MYOCLONIC EPILEPSY OF INFANCY; DEVELOPMENTAL AND EPILEPTIC ENCEPHALOPATHY 6A; Severe Myoclonic Epilepsy in Infancy (SMEI). Identifiers: Orphanet 33069, MedGen C0751122, MONDO:0100135, OMIM 607208.

Allele frequency attached by ClinVar (database versions not stated): gnomAD exomes below 0.00001; ExAC 0.00001.

Submission:

Labcorp Genetics (formerly Invitae), Labcorp
Classification: Uncertain significance for Severe myoclonic epilepsy in infancy. Last evaluated: 2020-10-05. Review status: criteria provided, single submitter. Criteria: Invitae Variant Classification Sherloc (09022015). Collection method: clinical testing. Allele origin: germline.
Comment: In summary, the available evidence is currently insufficient to determine the role of this variant in disease. Therefore, it has been classified as a Variant of Uncertain Significance. Algorithms developed to predict the effect of missense changes on protein structure and function are either unavailable or do not agree on the potential impact of this missense change (SIFT: "Deleterious"; PolyPhen-2: "Benign"; Align-GVGD: "Class C65"). This variant has not been reported in the literature in individuals with SNX27-related conditions. This variant is present in population databases (rs753881769, ExAC 0.009%). This sequence change replaces valine with glycine at codon 251 of the SNX27 protein (p.Val251Gly). The valine residue is highly conserved and there is a moderate physicochemical difference between valine and glycine.